The following is an entry in ClinVar:

ClinVar aggregate classification (germline): Uncertain significance (1 of 4 stars; one submission).

Conditions:
Nemaline myopathy 2 (NEM2). Also called: Nemaline myopathy 2, autosomal recessive. Identifiers: MedGen C1850569, MONDO:0009725, OMIM 256030.

Submission:

Labcorp Genetics (formerly Invitae), Labcorp
Classification: Uncertain significance for Nemaline myopathy 2. Last evaluated: 2021-02-10. Review status: criteria provided, single submitter. Criteria: Invitae Variant Classification Sherloc (09022015). Collection method: clinical testing. Allele origin: germline.
Comment: This sequence change replaces methionine with leucine at codon 7518 of the NEB protein (p.Met7518Leu). The methionine residue is weakly conserved and there is a small physicochemical difference between methionine and leucine. This variant is not present in population databases (ExAC no frequency). This variant has not been reported in the literature in individuals with NEB-related conditions. Algorithms developed to predict the effect of missense changes on protein structure and function are either unavailable or do not agree on the potential impact of this missense change (SIFT: "Tolerated"; PolyPhen-2: "Not Available"; Align-GVGD: "Class C0"). In summary, the available evidence is currently insufficient to determine the role of this variant in disease. Therefore, it has been classified as a Variant of Uncertain Significance.

NM_001164508.2(NEB):c.22447A>T (p.Met7483Leu)

Genes: NEB (nebulin; minus strand), RIF1 (replication timing regulatory factor 1; plus strand). Cytogenetic location: 2q23.3.
Variant type: single nucleotide variant.
Coding change: c.22447A>T on transcript NM_001164508.2 (MANE Select); coding-DNA position 22447, A replaced by T.
Protein change: p.Met7483Leu; replaces methionine 7483 with leucine.
Molecular consequence: missense variant.
Genome position (GRCh38, 1-based): chr2:151,524,343, T>A on the plus strand (A>T on the coding strand, the complement: NEB is on the minus strand). VCF-style: chr2-151524343-T-A. GRCh37 (hg19) VCF-style: chr2-152380857-T-A.
Other names: c.22447A>T, p.Met7483Leu (NM_001164507.2); c.22552A>T, p.Met7518Leu (NM_001271208.2); c.17344A>T, p.Met5782Leu (NM_004543.5); short protein forms M7483L, M7518L, M5782L.
Identifiers: ClinVar variation 1929162 (VCV001929162.2), dbSNP rs2552107934, ClinGen allele CA348764677.